The following is an entry in ClinVar:

NM_000465.4(BARD1):c.1598A>G (p.Tyr533Cys)

Gene: BARD1 (BRCA1 associated RING domain 1; minus strand). Cytogenetic location: 2q35.
Variant type: single nucleotide variant.
Coding change: c.1598A>G on transcript NM_000465.4 (MANE Select); coding-DNA position 1598, A replaced by G.
Protein change: p.Tyr533Cys; replaces tyrosine 533 with cysteine.
Molecular consequence: missense variant. On other transcripts: non-coding transcript variant (3), intron variant (1).
Genome position (GRCh38, 1-based): chr2:214,752,526, T>C on the plus strand (A>G on the coding strand, the complement: BARD1 is on the minus strand). VCF-style: chr2-214752526-T-C. GRCh37 (hg19) VCF-style: chr2-215617250-T-C.
Other names: c.1541A>G, p.Tyr514Cys (NM_001282543.2); c.245A>G, p.Tyr82Cys (NM_001282545.2); c.188A>G, p.Tyr63Cys (NM_001282548.2); c.365-22018A>G (NM_001282549.2); short protein forms Y533C, Y514C, Y63C, Y82C.
Identifiers: ClinVar variation 481386 (VCV000481386.7), dbSNP rs761673463, ClinGen allele CA350454942.
Genomic context (GRCh38, chr2:214,752,526, plus strand): 5'-GAGGATGATTCATTCTTCTCTGGTAGCAGCAATAGCGATTTCATACTTTCATCATCTGTA[T>C]AATCGACAGGCCGCAGACCAAATATATTACTGGTAAAATAAGTGCAGATGTGTTTAAGTA-3'
Protein context (NP_000456.2, residues 523-543): VNIFGLRPVD[Tyr533Cys]TDDESMKSLL

ClinVar aggregate classification (germline): Uncertain significance. Review status: criteria provided, multiple submitters, no conflicts (2 of 4 stars). 2 submissions from 2 submitters: Uncertain significance (2). Last evaluated 2024-11-14.

Conditions:
Hereditary cancer-predisposing syndrome. Also called: Hereditary Cancer Syndrome; Neoplastic Syndromes, Hereditary; Tumor predisposition; Hereditary neoplastic syndrome. Identifiers: Orphanet 140162, MedGen C0027672, MeSH D009386, MONDO:0015356.

gnomAD v4.1: 1 of 1,613,780 alleles (0.000062%); highest among the groups gnomAD compares: African/African-American, 0.0013%; no homozygotes.

Submissions (2):

Ambry Genetics
Classification: Uncertain significance for Hereditary cancer-predisposing syndrome. Last evaluated: 2024-11-14. Review status: criteria provided, single submitter. Criteria: Ambry Variant Classification Scheme 2023. Collection method: clinical testing. Allele origin: germline.
Comment: The p.Y533C variant (also known as c.1598A>G), located in coding exon 7 of the BARD1 gene, results from an A to G substitution at nucleotide position 1598. The tyrosine at codon 533 is replaced by cysteine, an amino acid with highly dissimilar properties. This amino acid position is well conserved in available vertebrate species. In addition, this alteration is predicted to be tolerated by in silico analysis. Since supporting evidence is limited at this time, the clinical significance of this alteration remains unclear.

GeneDx
Classification: Uncertain significance. Last evaluated: 2023-11-02. Review status: criteria provided, single submitter. Criteria: GeneDx Variant Classification Process June 2021. Collection method: clinical testing. Allele origin: germline. Affected: yes.
Comment: Not observed at significant frequency in large population cohorts (gnomAD); In silico analysis supports that this missense variant has a deleterious effect on protein structure/function; Has not been previously published as pathogenic or benign to our knowledge; This variant is associated with the following publications: (PMID: 36672847, 18480049)